The following is an entry in ClinVar:

NM_000186.4(CFH):c.1730A>G (p.His577Arg)

Gene: CFH (complement factor H; plus strand). Cytogenetic location: 1q31.3.
Variant type: single nucleotide variant.
Coding change: c.1730A>G on transcript NM_000186.4 (MANE Select); coding-DNA position 1730, A replaced by G.
Protein change: p.His577Arg; replaces histidine 577 with arginine.
Molecular consequence: missense variant.
Genome position (GRCh38, 1-based): chr1:196,725,154, A>G. VCF-style: chr1-196725154-A-G. GRCh37 (hg19) VCF-style: chr1-196694284-A-G.
Other names: p.His577Arg; short protein forms H577R.
Identifiers: ClinVar variation 3266584 (VCV003266584.2).
Genomic context (GRCh38, chr1:196,725,154, plus strand): 5'-TCATGAAATTATTTTACCTTTTTCAAGAAAGAGAATGCGAACTTCCTAAAATAGATGTAC[A>G]CTTAGTTCCTGATCGCAAGAAAGACCAGTATAAAGTTGGAGAGGTGTTGAAATTCTCCTG-3'
Protein context (NP_000177.2, residues 567-587): RECELPKIDV[His577Arg]LVPDRKKDQY

ClinVar aggregate classification (germline): Uncertain significance. Review status: criteria provided, multiple submitters, no conflicts (2 of 4 stars). 2 submissions from 2 submitters: Uncertain significance (2). Last evaluated 2025-07-09.

Conditions:
Inborn genetic diseases. Identifiers: MedGen C0950123, MeSH D030342.

gnomAD v4.1: 12 of 1,613,704 alleles (0.00074%); highest among the groups gnomAD compares: East Asian, 0.0089%; no homozygotes.

Submissions (2):

Mayo Clinic Laboratories, Mayo Clinic
Classification: Uncertain significance. Last evaluated: 2025-07-09. Review status: criteria provided, single submitter. Criteria: ACMG Guidelines, 2015. Collection method: clinical testing. Allele origin: germline. Observed: 1 variant allele.
Comment: BP4_moderate

Ambry Genetics
Classification: Uncertain significance for Inborn genetic diseases. Last evaluated: 2024-05-02. Review status: criteria provided, single submitter. Criteria: Ambry Variant Classification Scheme 2023. Collection method: clinical testing. Allele origin: germline.